The following is an entry in ClinVar:

NM_022168.4(IFIH1):c.1641+2T>C

Gene: IFIH1 (interferon induced with helicase C domain 1; minus strand). Cytogenetic location: 2q24.2.
Variant type: single nucleotide variant.
Coding change: c.1641+2T>C on transcript NM_022168.4 (MANE Select); the canonical splice donor site of the intron after coding-DNA position 1641, T replaced by C.
Molecular consequence: splice donor variant.
Genome position (GRCh38, 1-based): chr2:162,279,994, A>G on the plus strand (T>C on the coding strand, the complement: IFIH1 is on the minus strand). VCF-style: chr2-162279994-A-G. GRCh37 (hg19) VCF-style: chr2-163136504-A-G.
Identifiers: ClinVar variation 834133 (VCV000834133.12), dbSNP rs747781178, ClinGen allele CA1934467.
Genomic context (GRCh38, chr2:162,279,994, plus strand): 5'-TTGCCATCTTTCTACTGAATGTAGTATTGTCAATCAATAGATATAAAACATTAAGCCCAT[A>G]CTTCTCTGGTTGCATCTGCAATGGCAAACTTCTTGCATGGCTCCTGTATTTGGTTTTTCA-3'

ClinVar aggregate classification (germline): Uncertain significance. Review status: criteria provided, multiple submitters, no conflicts (2 of 4 stars). 2 submissions from 2 submitters: Uncertain significance (2). Last evaluated 2024-05-05.

Conditions:
Aicardi-Goutieres syndrome 7 (AGS7). Identifiers: Orphanet 51, MedGen C3888244, MONDO:0014367, OMIM 615846.
Singleton-Merten syndrome 1 (SGMRT1). Also called: Widened medullary cavities of bone, aortic calcification, abnormal dentition, and muscular weakness; Syndrome of widened medullary cavities of the metacarpals and phalanges, aortic calcification and abnormal dentition. Identifiers: Orphanet 85191, MedGen C4225427, MONDO:0024535, OMIM 182250.

Allele frequency attached by ClinVar (database versions not stated): gnomAD exomes below 0.00001; ExAC 0.00001; gnomAD 0.00001; TOPMed 0.00002.
gnomAD v4.1: 5 of 1,494,420 alleles (0.00033%); highest among the groups gnomAD compares: Admixed American, 0.0017%; no homozygotes.

Submissions (3):

Labcorp Genetics (formerly Invitae), Labcorp
Classification: Uncertain significance for Aicardi-Goutieres syndrome 7; Singleton-Merten syndrome 1. Last evaluated: 2024-05-05. Review status: criteria provided, single submitter. Criteria: Invitae Variant Classification Sherloc (09022015). Collection method: clinical testing. Allele origin: germline.
Comment: This sequence change affects a donor splice site in intron 8 of the IFIH1 gene. It is expected to disrupt RNA splicing. Variants that disrupt the donor or acceptor splice site typically lead to a loss of protein function (PMID: 16199547), however the current clinical and genetic evidence is not sufficient to establish whether loss-of-function variants in IFIH1 cause disease. This variant is present in population databases (rs747781178, gnomAD 0.003%). This variant has not been reported in the literature in individuals affected with IFIH1-related conditions. ClinVar contains an entry for this variant (Variation ID: 834133). Algorithms developed to predict the effect of sequence changes on RNA splicing suggest that this variant may disrupt the consensus splice site. In summary, the available evidence is currently insufficient to determine the role of this variant in disease. Therefore, it has been classified as a Variant of Uncertain Significance.

Blueprint Genetics
Classification: Uncertain significance. Last evaluated: 2020-12-02. Review status: criteria provided, single submitter. Criteria: ACMG Guidelines, 2015. Collection method: clinical testing. Allele origin: germline.

Dr. Peter K. Rogan Lab, Western University
No classification provided (evidence only). Condition: Familial cancer of breast. Review status: no classification provided. Collection method: in vitro. Allele origin: not applicable. Functional consequence: skipped exon, retained intron. Not counted in ClinVar's aggregate classification.

Literature cited by the submitters: PubMed 16199547 (cited by Labcorp Genetics (formerly Invitae), Labcorp).